The following is an entry in ClinVar:

ClinVar aggregate classification (germline): Uncertain significance. Review status: criteria provided, multiple submitters, no conflicts (2 of 4 stars). 5 submissions from 5 submitters: Uncertain significance (5). Last evaluated 2025-01-05.

Conditions:
Pontocerebellar hypoplasia type 3 (PCH3). Also called: PCH WITH OPTIC ATROPHY; CEREBELLAR ATROPHY WITH PROGRESSIVE MICROCEPHALY. Identifiers: Orphanet 97249, MedGen C1842687, MONDO:0011948, OMIM 608027.

Allele frequency attached by ClinVar (database versions not stated): ESP Exome Variant Server 0.00008; TOPMed 0.00027; gnomAD 0.00045.
gnomAD v4.1: 461 of 1,612,744 alleles (0.029%); highest among the groups gnomAD compares: Middle Eastern, 0.78%; 1 homozygote.

Submissions (5):

Labcorp Genetics (formerly Invitae), Labcorp
Classification: Uncertain significance. Last evaluated: 2025-01-05. Review status: criteria provided, single submitter. Criteria: Invitae Variant Classification Sherloc (09022015). Collection method: clinical testing. Allele origin: germline.
Comment: This sequence change replaces arginine, which is basic and polar, with histidine, which is basic and polar, at codon 104 of the PCLO protein (p.Arg104His). This variant is present in population databases (rs201699382, gnomAD 0.07%). This variant has not been reported in the literature in individuals affected with PCLO-related conditions. ClinVar contains an entry for this variant (Variation ID: 810117). An algorithm developed to predict the effect of missense changes on protein structure and function outputs the following: PolyPhen-2: "Not Available". The histidine amino acid residue is found in multiple mammalian species, which suggests that this missense change does not adversely affect protein function. In summary, the available evidence is currently insufficient to determine the role of this variant in disease. Therefore, it has been classified as a Variant of Uncertain Significance.

Women's Health and Genetics/Laboratory Corporation of America, LabCorp
Classification: Uncertain significance. Last evaluated: 2023-04-05. Review status: criteria provided, single submitter. Criteria: LabCorp Variant Classification Summary - May 2015. Collection method: clinical testing. Allele origin: germline.
Comment: Variant summary: PCLO c.311G>A (p.Arg104His) results in a non-conservative amino acid change in the encoded protein sequence. Three of five in-silico tools predict a benign effect of the variant on protein function. The variant allele was found at a frequency of 0.00034 in 249088 control chromosomes (gnomAD). To our knowledge, no occurrence of c.311G>A in individuals affected with Pontocerebellar Hypoplasia Type 3 and no experimental evidence demonstrating its impact on protein function have been reported. Three clinical diagnostic laboratories have submitted clinical-significance assessments for this variant to ClinVar after 2014 without evidence for independent evaluation. All laboratories classified the variant as uncertain significance. Based on the evidence outlined above, the variant was classified as uncertain significance.

Fulgent Genetics
Classification: Uncertain significance for Pontocerebellar hypoplasia type 3. Last evaluated: 2022-05-31. Review status: criteria provided, single submitter. Criteria: ACMG Guidelines, 2015. Collection method: clinical testing. Allele origin: unknown.

CeGaT Center for Human Genetics Tuebingen
Classification: Uncertain significance. Last evaluated: 2019-04-01. Review status: criteria provided, single submitter. Criteria: CeGaT Center For Human Genetics Tuebingen Variant Classification Criteria Version 2. Collection method: clinical testing. Allele origin: germline. Affected: yes. Observed: 1 variant allele.

Breakthrough Genomics
Classification: Uncertain significance. Review status: criteria provided, single submitter. Criteria: ACMG Guidelines, 2015. Collection method: not provided. Allele origin: germline. Inheritance: Autosomal recessive inheritance. Affected: yes.

NM_033026.6(PCLO):c.311G>A (p.Arg104His)

Gene: PCLO (piccolo presynaptic cytomatrix protein; minus strand). Cytogenetic location: 7q21.11.
Variant type: single nucleotide variant.
Coding change: c.311G>A on transcript NM_033026.6 (MANE Select); coding-DNA position 311, G replaced by A.
Protein change: p.Arg104His; replaces arginine 104 with histidine.
Molecular consequence: missense variant.
Genome position (GRCh38, 1-based): chr7:83,156,330, C>T on the plus strand (G>A on the coding strand, the complement: PCLO is on the minus strand). VCF-style: chr7-83156330-C-T. GRCh37 (hg19) VCF-style: chr7-82785646-C-T.
Other names: c.311G>A, p.Arg104His (NM_014510.3); c.311G>A (NM_033026.5); short protein forms R104H.
Identifiers: ClinVar variation 810117 (VCV000810117.49), dbSNP rs201699382, ClinGen allele CA4321682.
Genomic context (GRCh38, chr7:83,156,330, plus strand): 5'-TTCTGCTCTGACCTGAAAGTGTCTGTAGTTCTACTTTTACTGAGACCAGGTTGAGCTGGA[C>T]GCCCAGGGTCCGGGGGTCTTCCTGATTGCTTTGGAGGATGACTACTATCCAACTCTTGTT-3'
Protein context (NP_149015.2, residues 94-114): KQSGRPPDPG[Arg104His]PAQPGLSKSR